The following is an entry in ClinVar:

ClinVar aggregate classification (germline): Uncertain significance (1 of 4 stars; one submission).

Conditions:
Autoimmune lymphoproliferative syndrome, type III caused by mutation in PRKCD. Identifiers: Orphanet 3261, Orphanet 664711, MedGen C3809928, MONDO:8000024, OMIM 615559.

gnomAD v4.1: 3 of 1,612,526 alleles (0.00019%); highest among the groups gnomAD compares: Non-Finnish European, 0.00025%; no homozygotes.

Submission:

Labcorp Genetics (formerly Invitae), Labcorp
Classification: Uncertain significance for Autoimmune lymphoproliferative syndrome, type III caused by mutation in PRKCD. Last evaluated: 2025-06-17. Review status: criteria provided, single submitter. Criteria: Invitae Variant Classification Sherloc (09022015). Collection method: clinical testing. Allele origin: germline.
Comment: This sequence change replaces phenylalanine, which is neutral and non-polar, with leucine, which is neutral and non-polar, at codon 9 of the PRKCD protein (p.Phe9Leu). This variant is present in population databases (rs782810196, gnomAD 0.0009%). This variant has not been reported in the literature in individuals affected with PRKCD-related conditions. An algorithm developed to predict the effect of missense changes on protein structure and function (PolyPhen-2) suggests that this variant is likely to be tolerated. In summary, the available evidence is currently insufficient to determine the role of this variant in disease. Therefore, it has been classified as a Variant of Uncertain Significance.

NM_006254.4(PRKCD):c.25T>C (p.Phe9Leu)

Gene: PRKCD (protein kinase C delta; plus strand). Cytogenetic location: 3p21.1.
Variant type: single nucleotide variant.
Coding change: c.25T>C on transcript NM_006254.4 (MANE Select); coding-DNA position 25, T replaced by C.
Protein change: p.Phe9Leu; replaces phenylalanine 9 with leucine.
Molecular consequence: missense variant.
Genome position (GRCh38, 1-based): chr3:53,178,447, T>C. VCF-style: chr3-53178447-T-C. GRCh37 (hg19) VCF-style: chr3-53212463-T-C.
Other names: c.25T>C, p.Phe9Leu (NM_001316327.2, NM_001354679.2, NM_001354680.2 and 1 more transcripts); c.82T>C, p.Phe28Leu (NM_001354676.2); c.73T>C, p.Phe25Leu (NM_001354678.2); short protein forms F25L, F28L, F9L.
Identifiers: ClinVar variation 4807123 (VCV004807123.1).